The following is an entry in ClinVar:

NM_015338.6(ASXL1):c.2671G>A (p.Val891Ile)

Gene: ASXL1 (ASXL transcriptional regulator 1; plus strand). Cytogenetic location: 20q11.21.
Variant type: single nucleotide variant.
Coding change: c.2671G>A on transcript NM_015338.6 (MANE Select); coding-DNA position 2671, G replaced by A.
Protein change: p.Val891Ile; replaces valine 891 with isoleucine.
Molecular consequence: missense variant.
Genome position (GRCh38, 1-based): chr20:32,435,383, G>A. VCF-style: chr20-32435383-G-A. GRCh37 (hg19) VCF-style: chr20-31023186-G-A.
Other names: c.2488G>A, p.Val830Ile (NM_001363734.1); short protein forms V891I, V830I.
Identifiers: ClinVar variation 731499 (VCV000731499.20), dbSNP rs774520876, ClinGen allele CA9808678.

ClinVar aggregate classification (germline): Benign/Likely benign. Review status: criteria provided, multiple submitters, no conflicts (2 of 4 stars). 3 submissions from 3 submitters: Benign (1); Likely benign (2). Last evaluated 2024-11-22.

Conditions:
Inborn genetic diseases. Identifiers: MedGen C0950123, MeSH D030342.

Allele frequency attached by ClinVar (database versions not stated): gnomAD exomes 0.00001 and 0.00003; TOPMed 0.00002; ExAC 0.00003; gnomAD 0.00003.
gnomAD v4.1: 20 of 1,614,034 alleles (0.0012%); highest among the groups gnomAD compares: Middle Eastern, 0.033%; no homozygotes.

Submissions (3):

Ambry Genetics
Classification: Likely benign for Inborn genetic diseases. Last evaluated: 2024-11-22. Review status: criteria provided, single submitter. Criteria: Ambry Variant Classification Scheme 2023. Collection method: clinical testing. Allele origin: germline.

CeGaT Center for Human Genetics Tuebingen
Classification: Likely benign. Last evaluated: 2024-09-01. Review status: criteria provided, single submitter. Criteria: CeGaT Center For Human Genetics Tuebingen Variant Classification Criteria Version 2. Collection method: clinical testing. Allele origin: germline. Affected: yes. Observed: 1 variant allele.
Comment: ASXL1: BP4

Labcorp Genetics (formerly Invitae), Labcorp
Classification: Benign. Last evaluated: 2017-12-12. Review status: criteria provided, single submitter. Criteria: Invitae Variant Classification Sherloc (09022015). Collection method: clinical testing. Allele origin: germline.